The following is an entry in ClinVar:

NM_001308093.3(GATA4):c.281C>T (p.Ala94Val)

Gene: GATA4 (GATA binding protein 4). Cytogenetic location: 8p23.1.
Variant type: single nucleotide variant.
Coding change: c.281C>T on transcript NM_001308093.3 (MANE Select); coding-DNA position 281, C replaced by T.
Protein change: p.Ala94Val; replaces alanine 94 with valine.
Molecular consequence: missense variant. On other transcripts: intron variant (3).
Genome position (GRCh38, 1-based): chr8:11,708,593, C>T. VCF-style: chr8-11708593-C-T. GRCh37 (hg19) VCF-style: chr8-11566102-C-T.
Other names: c.281C>T, p.Ala94Val (NM_002052.5); c.-6+7815C>T (NM_001308094.2); c.-3+579C>T (NM_001374274.1); c.-3+4289C>T (NM_001374273.1); short protein forms A94V.
Identifiers: ClinVar variation 3619267 (VCV003619267.2).
Genomic context (GRCh38, chr8:11,708,593, plus strand): 5'-CCGCGTCTGGTGCGGGGCCCGGGACCCAGCAGGGCAGCCCGGGATGGAGCCAGGCGGGAG[C>T]CGACGGAGCCGCTTACACCCCGCCGCCGGTGTCGCCGCGCTTCTCCTTCCCGGGGACCAC-3'
Protein context (NP_001295022.1, residues 84-104): QGSPGWSQAG[Ala94Val]DGAAYTPPPV

ClinVar aggregate classification (germline): Uncertain significance (1 of 4 stars; one submission).

Conditions:
Atrioventricular septal defect 4 (AVSD4). Identifiers: MedGen C3280781, MONDO:0013747, OMIM 614430.

gnomAD v4.1: 25 of 1,356,922 alleles (0.0018%); highest among the groups gnomAD compares: Non-Finnish European, 0.0023%; no homozygotes.

Submission:

Labcorp Genetics (formerly Invitae), Labcorp
Classification: Uncertain significance for Atrioventricular septal defect 4. Last evaluated: 2024-07-23. Review status: criteria provided, single submitter. Criteria: Invitae Variant Classification Sherloc (09022015). Collection method: clinical testing. Allele origin: germline.
Comment: This sequence change replaces alanine, which is neutral and non-polar, with valine, which is neutral and non-polar, at codon 94 of the GATA4 protein (p.Ala94Val). This variant is not present in population databases (gnomAD no frequency). This variant has not been reported in the literature in individuals affected with GATA4-related conditions. Advanced modeling of protein sequence and biophysical properties (such as structural, functional, and spatial information, amino acid conservation, physicochemical variation, residue mobility, and thermodynamic stability) performed at Invitae indicates that this missense variant is not expected to disrupt GATA4 protein function with a negative predictive value of 80%. In summary, the available evidence is currently insufficient to determine the role of this variant in disease. Therefore, it has been classified as a Variant of Uncertain Significance.